The following is an entry in ClinVar:

ClinVar aggregate classification (germline): Uncertain significance. Review status: criteria provided, multiple submitters, no conflicts (2 of 4 stars). 3 submissions from 3 submitters: Uncertain significance (3). Last evaluated 2025-06-03.

Conditions:
Autosomal dominant nocturnal frontal lobe epilepsy 4. Also called: EPILEPSY, FAMILIAL, WITH NOCTURNAL WANDERING AND ICTAL FEAR; CHRNA2-Related Nocturnal Frontal Lobe Epilepsy, Autosomal Dominant. Identifiers: Orphanet 98784, MedGen C1835905, MONDO:0012474, OMIM 610353.
Familial sleep-related hypermotor epilepsy. Also called: Autosomal Dominant Sleep-Related Hypermotor (Hyperkinetic) Epilepsy. Identifiers: Orphanet 98784, MedGen C3696898, MONDO:0000030.

Allele frequency attached by ClinVar (database versions not stated): TOPMed 0.00001.
gnomAD v4.1: 6 of 1,613,990 alleles (0.00037%); highest among the groups gnomAD compares: South Asian, 0.0011%; no homozygotes.

Submissions (3):

GeneDx
Classification: Uncertain significance. Last evaluated: 2025-06-03. Review status: criteria provided, single submitter. Criteria: GeneDx Variant Classification Process June 2021. Collection method: clinical testing. Allele origin: germline. Affected: yes.
Comment: Not observed at significant frequency in large population cohorts (gnomAD); Has not been previously published as pathogenic or benign to our knowledge; In silico analysis is inconclusive as to whether the variant alters gene splicing. In the absence of RNA/functional studies, the actual effect of this sequence change is unknown.

Labcorp Genetics (formerly Invitae), Labcorp
Classification: Uncertain significance. Last evaluated: 2024-08-15. Review status: criteria provided, single submitter. Criteria: Invitae Variant Classification Sherloc (09022015). Collection method: clinical testing. Allele origin: germline.
Comment: This sequence change falls in intron 6 of the CHRNA2 gene. It does not directly change the encoded amino acid sequence of the CHRNA2 protein. It affects a nucleotide within the consensus splice site. This variant is not present in population databases (gnomAD no frequency). This variant has not been reported in the literature in individuals affected with CHRNA2-related conditions. This variant has been observed in at least one individual who was not affected with CHRNA2-related conditions (Invitae). ClinVar contains an entry for this variant (Variation ID: 911932). Variants that disrupt the consensus splice site are a relatively common cause of aberrant splicing (PMID: 17576681, 9536098). Algorithms developed to predict the effect of sequence changes on RNA splicing suggest that this variant may disrupt the consensus splice site. In summary, the available evidence is currently insufficient to determine the role of this variant in disease. Therefore, it has been classified as a Variant of Uncertain Significance.

Illumina Laboratory Services, Illumina
Classification: Uncertain significance for Autosomal dominant nocturnal frontal lobe epilepsy 4. Last evaluated: 2018-01-13. Review status: criteria provided, single submitter. Criteria: ICSL Variant Classification Criteria 13 December 2019. Collection method: clinical testing. Allele origin: germline.

Literature cited by the submitters: PubMed 17576681 (cited by Labcorp Genetics (formerly Invitae), Labcorp); PubMed 9536098 (cited by Labcorp Genetics (formerly Invitae), Labcorp).

NM_000742.4(CHRNA2):c.1464+4C>T

Gene: CHRNA2 (cholinergic receptor nicotinic alpha 2 subunit; minus strand). Cytogenetic location: 8p21.2.
Variant type: single nucleotide variant.
Coding change: c.1464+4C>T on transcript NM_000742.4 (MANE Select); 4 bases into the intron after coding-DNA position 1464, C replaced by T.
Molecular consequence: intron variant.
Genome position (GRCh38, 1-based): chr8:27,462,975, G>A on the plus strand (C>T on the coding strand, the complement: CHRNA2 is on the minus strand). VCF-style: chr8-27462975-G-A. GRCh37 (hg19) VCF-style: chr8-27320492-G-A.
Other names: c.987+4C>T (NM_001347705.2, NM_001347706.2); c.1419+4C>T (NM_001282455.2); c.870+4C>T (NM_001347708.2, NM_001347707.2).
Identifiers: ClinVar variation 911932 (VCV000911932.9), dbSNP rs1586388485, ClinGen allele CA1139660410.
Genomic context (GRCh38, chr8:27,462,975, plus strand): 5'-AAGGTGGTTCCCCGCTAAGTTGGTGGGGCCACCCAGGCTGGCGCCTCTCCCAACCCCAAC[G>A]CACCGAAGAGTCAGCATCCTCAGACCGCAGGTGGTCGGCAATGTAGTGCACACCTTCCAG-3'